The following is an entry in ClinVar:

NM_203447.4(DOCK8):c.156+1383T>C

Gene: DOCK8 (dedicator of cytokinesis 8; plus strand). Cytogenetic location: 9p24.3.
Variant type: single nucleotide variant.
Coding change: c.156+1383T>C on transcript NM_203447.4 (MANE Select); 1383 bases into the intron after coding-DNA position 156, T replaced by C.
Molecular consequence: intron variant.
Genome position (GRCh38, 1-based): chr9:273,112, T>C. VCF-style: chr9-273112-T-C. GRCh37 (hg19) VCF-style: chr9-273112-T-C.
Other names: c.-49+12T>C (NM_001193536.2, NM_001190458.2).
Identifiers: ClinVar variation 377792 (VCV000377792.2), dbSNP rs150314778, ClinGen allele CA16605683.

ClinVar aggregate classification (germline): Likely benign. Review status: criteria provided, multiple submitters, no conflicts (2 of 4 stars). 2 submissions from 2 submitters: Likely benign (2). Last evaluated 2016-08-22.

Allele frequency attached by ClinVar (database versions not stated): gnomAD 0.00342 and 0.00354; TOPMed 0.00391; 1000 Genomes Project 0.00519; 1000 Genomes Project 30x 0.00578.
gnomAD v4.1: 715 of 985,308 alleles (0.073%); highest among the groups gnomAD compares: African/African-American, 1.1%; 4 homozygotes.

Submissions (2):

GeneDx
Classification: Likely benign. Last evaluated: 2016-08-22. Review status: criteria provided, single submitter. Criteria: GeneDx Variant Classification (06012015). Collection method: clinical testing. Allele origin: germline. Affected: yes.
Comment: This variant is considered likely benign or benign based on one or more of the following criteria: it is a conservative change, it occurs at a poorly conserved position in the protein, it is predicted to be benign by multiple in silico algorithms, and/or has population frequency not consistent with disease.

Breakthrough Genomics
Classification: Likely benign. Review status: criteria provided, single submitter. Criteria: ACMG Guidelines, 2015. Collection method: not provided. Allele origin: germline. Inheritance: Autosomal recessive inheritance. Affected: yes.